The following is an entry in ClinVar:

NM_006612.6(KIF1C):c.1166-8C>T

Gene: KIF1C (kinesin family member 1C; plus strand). Cytogenetic location: 17p13.2.
Variant type: single nucleotide variant.
Coding change: c.1166-8C>T on transcript NM_006612.6 (MANE Select); 8 bases into the intron before coding-DNA position 1166, C replaced by T.
Molecular consequence: intron variant.
Genome position (GRCh38, 1-based): chr17:5,006,907, C>T. VCF-style: chr17-5006907-C-T. GRCh37 (hg19) VCF-style: chr17-4910202-C-T.
Other names: p.?.
Identifiers: ClinVar variation 468850 (VCV000468850.16), dbSNP rs114935927, ClinGen allele CA8318895.

ClinVar aggregate classification (germline): Benign. Review status: criteria provided, multiple submitters, no conflicts (2 of 4 stars). 4 submissions from 4 submitters: Benign (4). Last evaluated 2026-01-19.

Conditions:
Spastic ataxia 2. Also called: Ataxia, spastic, 2, autosomal recessive. Identifiers: Orphanet 397946, MedGen C1969796, MONDO:0012651, OMIM 611302.
Hereditary spastic paraplegia. Also called: Familial spastic paraparesis. Identifiers: Orphanet 685, MedGen C0037773, MONDO:0019064. Disease mechanism: loss of function.

Allele frequency attached by ClinVar (database versions not stated): gnomAD exomes 0.00099 and 0.00259; ExAC 0.00322; 1000 Genomes Project 0.00919; gnomAD 0.00975 and 0.01049; ESP Exome Variant Server 0.01000; 1000 Genomes Project 30x 0.01046; TOPMed 0.01158.
gnomAD v4.1: 3,009 of 1,611,400 alleles (0.19%); highest among the groups gnomAD compares: African/African-American, 3.4%; 48 homozygotes.

Submissions (4):

Labcorp Genetics (formerly Invitae), Labcorp
Classification: Benign for Spastic ataxia 2. Last evaluated: 2026-01-19. Review status: criteria provided, single submitter. Criteria: Invitae Variant Classification Sherloc (09022015). Collection method: clinical testing. Allele origin: germline.

Mayo Clinic Laboratories, Mayo Clinic
Classification: Benign. Last evaluated: 2024-01-02. Review status: criteria provided, single submitter. Criteria: ACMG Guidelines, 2015. Collection method: clinical testing. Allele origin: germline. Observed: 2 variant alleles.
Comment: BA1, BS2, BP4, BP7

Genome Diagnostics Laboratory, The Hospital for Sick Children
Classification: Benign for Hereditary spastic paraplegia. Last evaluated: 2019-06-01. Review status: criteria provided, single submitter. Criteria: ACMG Guidelines, 2015. Collection method: clinical testing. Allele origin: germline. Affected: yes.

GeneDx
Classification: Benign. Last evaluated: 2018-02-23. Review status: criteria provided, single submitter. Criteria: GeneDx Variant Classification (06012015). Collection method: clinical testing. Allele origin: germline. Affected: yes.
Comment: This variant is considered likely benign or benign based on one or more of the following criteria: it is a conservative change, it occurs at a poorly conserved position in the protein, it is predicted to be benign by multiple in silico algorithms, and/or has population frequency not consistent with disease.